The following is an entry in ClinVar:

NM_004655.4(AXIN2):c.1A>C (p.Met1Leu)

Gene: AXIN2 (axin 2; minus strand). Cytogenetic location: 17q24.1.
Variant type: single nucleotide variant.
Coding change: c.1A>C on transcript NM_004655.4 (MANE Select); coding-DNA position 1, A replaced by C.
Protein change: p.Met1Leu; changes the start codon (methionine 1).
Molecular consequence: missense variant, initiator codon variant.
Genome position (GRCh38, 1-based): chr17:65,558,620, T>G on the plus strand (A>C on the coding strand, the complement: AXIN2 is on the minus strand). VCF-style: chr17-65558620-T-G. GRCh37 (hg19) VCF-style: chr17-63554738-T-G.
Other names: c.1A>C, p.Met1Leu (NM_001363813.1); short protein forms M1L.
Identifiers: ClinVar variation 2699059 (VCV002699059.4), dbSNP rs1060502151, ClinGen allele CA400682525.
Genomic context (GRCh38, chr17:65,558,620, plus strand): 5'-CATCCTCACGGAAGCTGCTGCTGGGGTCCGGGAGGCAAGTCACCAACATAGCGCTACTCA[T>G]GGTGAGGGAGCTCTTCCCACTGAGTCTGGGAATTTTTCTTCTTCCAGTTCCTCTCAGCAA-3'
Protein context (NP_004646.3, residues 1-11): [Met1Leu]SSAMLVTCLP

ClinVar aggregate classification (germline): Uncertain significance. Review status: criteria provided, multiple submitters, no conflicts (2 of 4 stars). 2 submissions from 2 submitters: Uncertain significance (2). Last evaluated 2026-06-04.

Conditions:
Hereditary cancer-predisposing syndrome. Also called: Tumor predisposition; Hereditary neoplastic syndrome; Neoplastic Syndromes, Hereditary; Hereditary Cancer Syndrome. Identifiers: Orphanet 140162, MedGen C0027672, MeSH D009386, MONDO:0015356.
Oligodontia-cancer predisposition syndrome. Also called: TOOTH AGENESIS-COLORECTAL CANCER SYNDROME. Identifiers: Orphanet 300576, MedGen C1837750, MONDO:0012075, OMIM 608615. Disease mechanism: loss of function.

Submissions (2):

Ambry Genetics
Classification: Uncertain significance for Hereditary cancer-predisposing syndrome. Last evaluated: 2026-06-04. Review status: criteria provided, single submitter. Criteria: Ambry Variant Classification Scheme 2023. Collection method: clinical testing. Allele origin: germline.
Comment: The p.M1? variant (also known as c.1A>C), located in coding exon 1 of the AXIN2 gene, results from an A to C substitution at nucleotide position 1. This alters the methionine residue at the initiation codon (ATG). Variations that modify the initiation codon (ATG) are expected to result in either loss of translation initiation, N-terminal truncation, or cause a shift in the mRNA reading frame; however, there is an in-frame methionine 4 amino acids from the initiation site, which may result in N-terminal truncation of unknown functional significance. Based on the available evidence, the clinical significance of this variant remains unclear.

Labcorp Genetics (formerly Invitae), Labcorp
Classification: Uncertain significance for Oligodontia-cancer predisposition syndrome. Last evaluated: 2023-06-09. Review status: criteria provided, single submitter. Criteria: Invitae Variant Classification Sherloc (09022015). Collection method: clinical testing. Allele origin: germline.
Comment: This sequence change affects the initiator methionine of the AXIN2 mRNA. The next in-frame methionine is located at codon 5. This variant is not present in population databases (gnomAD no frequency). This variant has not been reported in the literature in individuals affected with AXIN2-related conditions. Experimental studies and prediction algorithms are not available or were not evaluated, and the functional significance of this variant is currently unknown. In summary, the available evidence is currently insufficient to determine the role of this variant in disease. Therefore, it has been classified as a Variant of Uncertain Significance.